The following is an entry in ClinVar:

ClinVar aggregate classification (germline): Uncertain significance. Review status: criteria provided, multiple submitters, no conflicts (2 of 4 stars). 2 submissions from 2 submitters: Uncertain significance (2). Last evaluated 2020-01-14.

Conditions:
Dilated cardiomyopathy 1G (CMD1G). Identifiers: Orphanet 154, MedGen C1858763, MONDO:0011400, OMIM 604145.

Allele frequency attached by ClinVar (database versions not stated): ExAC 0.00001; gnomAD exomes 0.00001.
gnomAD v4.1: 7 of 1,613,600 alleles (0.00043%); highest among the groups gnomAD compares: Non-Finnish European, 0.00059%; no homozygotes.

Submissions (2):

Baylor Genetics
Classification: Uncertain significance for Dilated cardiomyopathy 1G. Last evaluated: 2020-01-14. Review status: criteria provided, single submitter. Criteria: ACMG Guidelines, 2015. Collection method: clinical testing. Allele origin: unknown. Affected: yes.
Comment: This variant was determined to be of uncertain significance according to ACMG Guidelines, 2015 [PMID:25741868].

CeGaT Center for Human Genetics Tuebingen
Classification: Uncertain significance. Last evaluated: 2019-05-01. Review status: criteria provided, single submitter. Criteria: CeGaT Center For Human Genetics Tuebingen Variant Classification Criteria Version 2. Collection method: clinical testing. Allele origin: germline. Affected: yes. Observed: 1 variant allele.

NM_001267550.2(TTN):c.26305T>G (p.Trp8769Gly)

Gene: TTN (titin; minus strand). Cytogenetic location: 2q31.2.
Variant type: single nucleotide variant.
Coding change: c.26305T>G on transcript NM_001267550.2 (MANE Select); coding-DNA position 26305, T replaced by G.
Protein change: p.Trp8769Gly; replaces tryptophan 8769 with glycine.
Molecular consequence: missense variant. On other transcripts: intron variant (3).
Genome position (GRCh38, 1-based): chr2:178,714,469, A>C on the plus strand (T>G on the coding strand, the complement: TTN is on the minus strand). VCF-style: chr2-178714469-A-C. GRCh37 (hg19) VCF-style: chr2-179579196-A-C.
Other names: c.25354T>G, p.Trp8452Gly (NM_001256850.1); c.22573T>G, p.Trp7525Gly (NM_133378.4); c.13282+23613T>G (NM_003319.4); c.13858+23613T>G (NM_133437.4); c.13657+23613T>G (NM_133432.3); short protein forms W8452G, W7525G, W8769G.
Identifiers: ClinVar variation 809045 (VCV000809045.43), dbSNP rs779847107, ClinGen allele CA2000031.